The following is an entry in ClinVar:

ClinVar aggregate classification (germline): Uncertain significance (1 of 4 stars; one submission).

Conditions:
Cone-rod dystrophy 6 (CORD6). Also called: RETINAL CONE DYSTROPHY 2; Cone dystrophy progressive. Identifiers: Orphanet 1872, MedGen C1866293, MONDO:0011143, OMIM 601777.
Leber congenital amaurosis 1 (LCA1). Also called: AMAUROSIS CONGENITA OF LEBER I; RETINAL BLINDNESS, CONGENITAL; Congenital absence of the rods and cones; Leber's congenital tapetoretinal degeneration; Leber's congenital tapetoretinal dysplasia. Identifiers: Orphanet 65, MedGen C2931258, MONDO:0008764, OMIM 204000.

Submission:

Labcorp Genetics (formerly Invitae), Labcorp
Classification: Uncertain significance for Leber congenital amaurosis 1; Cone-rod dystrophy 6. Last evaluated: 2022-02-06. Review status: criteria provided, single submitter. Criteria: Invitae Variant Classification Sherloc (09022015). Collection method: clinical testing. Allele origin: germline.
Comment: This sequence change replaces arginine, which is basic and polar, with cysteine, which is neutral and slightly polar, at codon 1029 of the GUCY2D protein (p.Arg1029Cys). In summary, the available evidence is currently insufficient to determine the role of this variant in disease. Therefore, it has been classified as a Variant of Uncertain Significance. Algorithms developed to predict the effect of missense changes on protein structure and function output the following: SIFT: "Deleterious"; PolyPhen-2: "Benign"; Align-GVGD: "Class C15". The cysteine amino acid residue is found in multiple mammalian species, which suggests that this missense change does not adversely affect protein function. This variant has not been reported in the literature in individuals affected with GUCY2D-related conditions. This variant is not present in population databases (gnomAD no frequency).

NM_000180.4(GUCY2D):c.3085C>T (p.Arg1029Cys)

Gene: GUCY2D (guanylate cyclase 2D, retinal; plus strand). Cytogenetic location: 17p13.1.
Variant type: single nucleotide variant.
Coding change: c.3085C>T on transcript NM_000180.4 (MANE Select); coding-DNA position 3085, C replaced by T.
Protein change: p.Arg1029Cys; replaces arginine 1029 with cysteine.
Molecular consequence: missense variant.
Genome position (GRCh38, 1-based): chr17:8,015,968, C>T. VCF-style: chr17-8015968-C-T. GRCh37 (hg19) VCF-style: chr17-7919286-C-T.
Other names: short protein forms R1029C.
Identifiers: ClinVar variation 2149925 (VCV002149925.4), dbSNP rs535800696, ClinGen allele CA397955675.